The following is an entry in ClinVar:

ClinVar aggregate classification (germline): Uncertain significance (1 of 4 stars; one submission).

Conditions:
Short-rib thoracic dysplasia 14 with polydactyly (SRTD14). Identifiers: Orphanet 397715, MedGen C4225286, MONDO:0014688, OMIM 616546.
Joubert syndrome 23 (JBTS23). Identifiers: Orphanet 475, MedGen C4084822, MONDO:0014664, OMIM 616490.

Allele frequency attached by ClinVar (database versions not stated): gnomAD exomes below 0.00001.
gnomAD v4.1: 2 of 1,603,394 alleles (0.00012%); highest among the groups gnomAD compares: East Asian, 0.0045%; no homozygotes.

Submission:

Labcorp Genetics (formerly Invitae), Labcorp
Classification: Uncertain significance for Joubert syndrome 23; Short-rib thoracic dysplasia 14 with polydactyly. Last evaluated: 2024-11-05. Review status: criteria provided, single submitter. Criteria: Invitae Variant Classification Sherloc (09022015). Collection method: clinical testing. Allele origin: germline.
Comment: This sequence change replaces serine, which is neutral and polar, with phenylalanine, which is neutral and non-polar, at codon 371 of the KIAA0586 protein (p.Ser371Phe). This variant is not present in population databases (gnomAD no frequency). This variant has not been reported in the literature in individuals affected with KIAA0586-related conditions. ClinVar contains an entry for this variant (Variation ID: 1368430). Invitae Evidence Modeling of protein sequence and biophysical properties (such as structural, functional, and spatial information, amino acid conservation, physicochemical variation, residue mobility, and thermodynamic stability) indicates that this missense variant is not expected to disrupt KIAA0586 protein function with a negative predictive value of 80%. In summary, the available evidence is currently insufficient to determine the role of this variant in disease. Therefore, it has been classified as a Variant of Uncertain Significance.

NM_001329943.3(KIAA0586):c.953C>T (p.Ser318Phe)

Gene: KIAA0586 (KIAA0586; plus strand). Cytogenetic location: 14q23.1.
Variant type: single nucleotide variant.
Coding change: c.953C>T on transcript NM_001329943.3 (MANE Select); coding-DNA position 953, C replaced by T.
Protein change: p.Ser318Phe; replaces serine 318 with phenylalanine.
Molecular consequence: missense variant.
Genome position (GRCh38, 1-based): chr14:58,448,485, C>T. VCF-style: chr14-58448485-C-T. GRCh37 (hg19) VCF-style: chr14-58915203-C-T.
Other names: c.1112C>T, p.Ser371Phe (NM_001244189.2); c.908C>T, p.Ser303Phe (NM_001244190.2); c.698C>T, p.Ser233Phe (NM_001244191.2, NM_001329945.2, NM_001364700.1 and 1 more transcripts); c.821C>T, p.Ser274Phe (NM_001244192.2); c.533C>T, p.Ser178Phe (NM_001244193.2); c.953C>T, p.Ser318Phe (NM_001329944.2, NM_001329946.2, NM_001329947.2 and 1 more transcripts); short protein forms S371F, S233F, S274F, S303F, S318F, S178F.
Identifiers: ClinVar variation 1368430 (VCV001368430.5), dbSNP rs2140664162, ClinGen allele CA389864270.